The following is an entry in ClinVar:

NM_012463.4(ATP6V0A2):c.1015C>T (p.Arg339Cys)

Gene: ATP6V0A2 (ATPase H+ transporting V0 subunit a2; plus strand). Cytogenetic location: 12q24.31.
Variant type: single nucleotide variant.
Coding change: c.1015C>T on transcript NM_012463.4 (MANE Select); coding-DNA position 1015, C replaced by T.
Protein change: p.Arg339Cys; replaces arginine 339 with cysteine.
Molecular consequence: missense variant.
Genome position (GRCh38, 1-based): chr12:123,737,248, C>T. VCF-style: chr12-123737248-C-T. GRCh37 (hg19) VCF-style: chr12-124221795-C-T.
Other names: short protein forms R339C.
Identifiers: ClinVar variation 1342042 (VCV001342042.6), dbSNP rs200463200, ClinGen allele CA6861791.

ClinVar aggregate classification (germline): Uncertain significance. Review status: criteria provided, multiple submitters, no conflicts (2 of 4 stars). 3 submissions from 3 submitters: Uncertain significance (3). Last evaluated 2025-01-13.

Conditions:
ALG9 congenital disorder of glycosylation (CDG1L). Also called: CONGENITAL DISORDER OF GLYCOSYLATION, TYPE Il; ALG9-CDG; CDG Il. Identifiers: Orphanet 79328, MedGen C2931006, MONDO:0012117, OMIM 608776.

Allele frequency attached by ClinVar (database versions not stated): ExAC 0.00007; gnomAD exomes 0.00007 and 0.00009; gnomAD 0.00010 and 0.00011; TOPMed 0.00011.
gnomAD v4.1: 157 of 1,614,018 alleles (0.0097%); highest among the groups gnomAD compares: Admixed American, 0.027%; no homozygotes.

Submissions (3):

Labcorp Genetics (formerly Invitae), Labcorp
Classification: Uncertain significance for ALG9 congenital disorder of glycosylation. Last evaluated: 2025-01-13. Review status: criteria provided, single submitter. Criteria: Invitae Variant Classification Sherloc (09022015). Collection method: clinical testing. Allele origin: germline.
Comment: This sequence change replaces arginine, which is basic and polar, with cysteine, which is neutral and slightly polar, at codon 339 of the ATP6V0A2 protein (p.Arg339Cys). This variant is present in population databases (rs200463200, gnomAD 0.02%). This variant has not been reported in the literature in individuals affected with ATP6V0A2-related conditions. ClinVar contains an entry for this variant (Variation ID: 1342042). Invitae Evidence Modeling of protein sequence and biophysical properties (such as structural, functional, and spatial information, amino acid conservation, physicochemical variation, residue mobility, and thermodynamic stability) has been performed for this missense variant. However, the output from this modeling did not meet the statistical confidence thresholds required to predict the impact of this variant on ATP6V0A2 protein function. In summary, the available evidence is currently insufficient to determine the role of this variant in disease. Therefore, it has been classified as a Variant of Uncertain Significance.

Blueprint Genetics
Classification: Uncertain significance. Last evaluated: 2024-10-23. Review status: criteria provided, single submitter. Criteria: ACMG Guidelines, 2015. Collection method: clinical testing. Allele origin: germline.

GeneDx
Classification: Uncertain significance. Last evaluated: 2022-02-21. Review status: criteria provided, single submitter. Criteria: GeneDx Variant Classification Process June 2021. Collection method: clinical testing. Allele origin: germline. Affected: yes.
Comment: In silico analysis supports that this missense variant has a deleterious effect on protein structure/function; Has not been previously published as pathogenic or benign to our knowledge